The following is an entry in ClinVar:

NM_002109.6(HARS1):c.223_225del (p.Lys75del)

Gene: HARS1 (histidyl-tRNA synthetase 1; minus strand). Cytogenetic location: 5q31.3.
Variant type: Deletion.
Coding change: c.223_225del on transcript NM_002109.6 (MANE Select); coding-DNA positions 223 to 225, 3 bases deleted (AAG; older notation c.223_225delAAG).
Protein change: p.Lys75del; deletes lysine 75.
Molecular consequence: inframe deletion. On other transcripts: intron variant (3).
Genome position (GRCh38, 1-based): chr5:140,683,175-140,683,177, CTT deleted on the plus strand (AAG on the coding strand, the reverse complement: HARS1 is on the minus strand); deleting any 3 consecutive bases within chr5:140,683,175-140,683,179 gives the same sequence; the c. name uses the placement nearest the transcript's 3' end. VCF-style (leftmost placement, unchanged base first): chr5-140683174-CCTT-C. GRCh37 (hg19) VCF-style: chr5-140062759-CCTT-C.
Other names: c.223_225del, p.Lys75del (NM_001258041.3, NM_001289092.2); c.136_138del, p.Lys46del (NM_001289094.2); c.181-5162_181-5160del (NM_001289093.2); c.181-3294_181-3292del (NM_001258042.3, NM_001258040.3); short protein forms K46del, K75del.
Identifiers: ClinVar variation 1680363 (VCV001680363.8), dbSNP rs1185763867, ClinGen allele CA563336395.
Genomic context (GRCh38, chr5:140,683,174, plus strand): 5'-CAGGTGTATCAATGACTTCTGCACCGTGGCGCTTGAAGCAACGGATGATTACGTCAAACA[CCTT>C]CTCGCGAACTGCCATCTGCCGGGGACTATAGTCTCTTGTGCCCTTGGAGTTGAAATCAGC-3'

ClinVar aggregate classification (germline): Uncertain significance (1 of 4 stars; one submission).

Conditions:
Usher syndrome type 3B. Also called: USHER SYNDROME, TYPE IIIB. Identifiers: MedGen C3281066, MONDO:0013788, OMIM 614504.

Submission:

Labcorp Genetics (formerly Invitae), Labcorp
Classification: Uncertain significance for Usher syndrome type 3B. Last evaluated: 2021-08-15. Review status: criteria provided, single submitter. Criteria: Invitae Variant Classification Sherloc (09022015). Collection method: clinical testing. Allele origin: germline.
Comment: This variant is not present in population databases (ExAC no frequency). This variant, c.223_225del, results in the deletion of 1 amino acid(s) of the HARS protein (p.Lys75del), but otherwise preserves the integrity of the reading frame. This variant has not been reported in the literature in individuals with HARS-related conditions. In summary, the available evidence is currently insufficient to determine the role of this variant in disease. Therefore, it has been classified as a Variant of Uncertain Significance. Algorithms developed to predict the effect of sequence changes on RNA splicing suggest that this variant may create or strengthen a splice site, but this prediction has not been confirmed by published transcriptional studies. Experimental studies and prediction algorithms are not available or were not evaluated, and the functional significance of this variant is currently unknown.